The following is an entry in ClinVar:

NM_001330260.2(SCN8A):c.5549C>T (p.Ala1850Val)

Gene: SCN8A (sodium voltage-gated channel alpha subunit 8; plus strand). Cytogenetic location: 12q13.13.
Variant type: single nucleotide variant.
Coding change: c.5549C>T on transcript NM_001330260.2 (MANE Select); coding-DNA position 5549, C replaced by T.
Protein change: p.Ala1850Val; replaces alanine 1850 with valine.
Molecular consequence: missense variant.
Genome position (GRCh38, 1-based): chr12:51,807,035, C>T. VCF-style: chr12-51807035-C-T. GRCh37 (hg19) VCF-style: chr12-52200819-C-T.
Other names: c.5426C>T, p.Ala1809Val (NM_001177984.3, NM_001369788.1); c.5549C>T, p.Ala1850Val (NM_014191.4); short protein forms A1809V, A1850V.
Identifiers: ClinVar variation 640190 (VCV000640190.9), dbSNP rs1592174793, ClinGen allele CA384887413.

ClinVar aggregate classification (germline): Uncertain significance (1 of 4 stars; one submission).

Conditions:
Early-infantile DEE. Also called: Early infantile epileptic encephalopathy; Early infantile epileptic encephalopathy with suppression bursts; Ohtahara syndrome. Identifiers: Orphanet 1934, MedGen C0393706, MONDO:0800491.

Submission:

Labcorp Genetics (formerly Invitae), Labcorp
Classification: Uncertain significance for Early-infantile DEE. Last evaluated: 2018-10-20. Review status: criteria provided, single submitter. Criteria: Invitae Variant Classification Sherloc (09022015). Collection method: clinical testing. Allele origin: germline.
Comment: This variant has not been reported in the literature in individuals with SCN8A-related disease. In summary, the available evidence is currently insufficient to determine the role of this variant in disease. Therefore, it has been classified as a Variant of Uncertain Significance. Algorithms developed to predict the effect of missense changes on protein structure and function are either unavailable or do not agree on the potential impact of this missense change (SIFT: "Deleterious"; PolyPhen-2: "Probably Damaging"; Align-GVGD: "Class C0"). This variant is not present in population databases (ExAC no frequency). This sequence change replaces alanine with valine at codon 1850 of the SCN8A protein (p.Ala1850Val). The alanine residue is highly conserved and there is a small physicochemical difference between alanine and valine.